The following is an entry in ClinVar:

ClinVar aggregate classification (germline): Pathogenic. Review status: criteria provided, multiple submitters, no conflicts (2 of 4 stars). 3 submissions from 3 submitters: Pathogenic (2). 1 of the submissions does not count toward it. Last evaluated 2024-07-04.

Allele frequency attached by ClinVar (database versions not stated): gnomAD exomes below 0.00001.
gnomAD v4.1: 1 of 1,518,476 alleles (0.000066%); highest among the groups gnomAD compares: African/African-American, 0.0014%; no homozygotes.

Submissions (3):

Labcorp Genetics (formerly Invitae), Labcorp
Classification: Pathogenic. Last evaluated: 2024-07-04. Review status: criteria provided, single submitter. Criteria: Invitae Variant Classification Sherloc (09022015). Collection method: clinical testing. Allele origin: germline.
Comment: This sequence change affects a donor splice site in intron 5 of the SCLT1 gene. It is expected to disrupt RNA splicing. Variants that disrupt the donor or acceptor splice site typically lead to a loss of protein function (PMID: 16199547), however the current clinical and genetic evidence is not sufficient to establish whether loss-of-function variants in SCLT1 cause disease. This variant is not present in population databases (gnomAD no frequency). Disruption of this splice site has been observed in individual(s) with clinical features of orofaciodigital syndrome or Bardet-Biedl syndrome (PMID: 24285566, 27894351; Invitae). It has also been observed to segregate with disease in related individuals. ClinVar contains an entry for this variant (Variation ID: 139612). Algorithms developed to predict the effect of sequence changes on RNA splicing suggest that this variant may disrupt the consensus splice site. For these reasons, this variant has been classified as Pathogenic.

Genomic Medicine Center of Excellence, King Faisal Specialist Hospital and Research Centre
Classification: Pathogenic. Last evaluated: 2024-03-17. Review status: criteria provided, single submitter. Criteria: ACMG Guidelines, 2015. Collection method: research. Allele origin: germline.

OMIM
Classification: Uncertain significance for VARIANT OF UNKNOWN SIGNIFICANCE. Last evaluated: 2014-01-01. Review status: no assertion criteria provided. Collection method: literature only. Allele origin: germline. Not counted in ClinVar's aggregate classification.

Literature cited by the submitters: PubMed 16199547 (cited by Labcorp Genetics (formerly Invitae), Labcorp); PubMed 24285566 (cited by Labcorp Genetics (formerly Invitae), Labcorp and OMIM); PubMed 27894351 (cited by Labcorp Genetics (formerly Invitae), Labcorp); PubMed 17963220 (cited by OMIM).

NM_144643.4(SCLT1):c.290+2T>C

Gene: SCLT1 (sodium channel and clathrin linker 1; minus strand). Cytogenetic location: 4q28.2.
Variant type: single nucleotide variant.
Coding change: c.290+2T>C on transcript NM_144643.4 (MANE Select); the canonical splice donor site of the intron after coding-DNA position 290, T replaced by C.
Molecular consequence: splice donor variant.
Genome position (GRCh38, 1-based): chr4:129,039,039, A>G on the plus strand (T>C on the coding strand, the complement: SCLT1 is on the minus strand). VCF-style: chr4-129039039-A-G. GRCh37 (hg19) VCF-style: chr4-129960194-A-G.
Other names: IVS5, T-C, +2; c.290+2T>C (NM_001410807.1, NM_001300898.2).
Identifiers: ClinVar variation 139612 (VCV000139612.12), dbSNP rs587777504, ClinGen allele CA232597.